The following is an entry in ClinVar:

ClinVar aggregate classification (germline): Pathogenic/Likely pathogenic. Review status: criteria provided, multiple submitters, no conflicts (2 of 4 stars). 5 submissions from 5 submitters: Pathogenic (4); Likely pathogenic (1). Last evaluated 2025-06-30.

Conditions:
Amyotrophic lateral sclerosis type 5 (ALS5). Also called: AMYOTROPHIC LATERAL SCLEROSIS 5, JUVENILE. Identifiers: Orphanet 300605, MedGen C1865864, MONDO:0011196, OMIM 602099.
Hereditary spastic paraplegia 11. Also called: Spastic paraplegia, mental retardation and thin corpus callosum; SPASTIC PARAPLEGIA, AUTOSOMAL RECESSIVE, COMPLICATED, WITH THIN CORPUS CALLOSUM; SPASTIC PARAPLEGIA, AUTOSOMAL RECESSIVE, WITH MENTAL IMPAIRMENT AND THIN CORPUS CALLOSUM; Spastic Paraplegia 11; Nakamura Osame syndrome; Autosomal recessive hereditary spastic paraplegia, mental impairment, and thin corpus callosum. Identifiers: Orphanet 2822, MedGen C1858479, MONDO:0011445, OMIM 604360.
Charcot-Marie-Tooth disease axonal type 2X. Also called: CHARCOT-MARIE-TOOTH DISEASE, AXONAL, AUTOSOMAL RECESSIVE, TYPE 2X; CHARCOT-MARIE-TOOTH NEUROPATHY, TYPE 2X. Identifiers: Orphanet 466775, MedGen C5569024, MONDO:0014726, OMIM 616668.

Submissions (5):

Mayo Clinic Laboratories, Mayo Clinic
Classification: Pathogenic. Last evaluated: 2025-06-30. Review status: criteria provided, single submitter. Criteria: ACMG Guidelines, 2015. Collection method: clinical testing. Allele origin: germline. Observed: 1 variant allele.
Comment: PM2_supporting, PM3_supporting, PVS1

Labcorp Genetics (formerly Invitae), Labcorp
Classification: Pathogenic for Hereditary spastic paraplegia 11. Last evaluated: 2025-03-01. Review status: criteria provided, single submitter. Criteria: Invitae Variant Classification Sherloc (09022015). Collection method: clinical testing. Allele origin: germline.
Comment: This sequence change creates a premature translational stop signal (p.Leu68Phefs*2) in the SPG11 gene. It is expected to result in an absent or disrupted protein product. Loss-of-function variants in SPG11 are known to be pathogenic (PMID: 19105190, 20110243, 22154821, 26556829). This variant is present in population databases (rs773773579, gnomAD 0.02%). This premature translational stop signal has been observed in individual(s) with multiple congenital anomalies (PMID: 26633542). ClinVar contains an entry for this variant (Variation ID: 586640). For these reasons, this variant has been classified as Pathogenic.

Fulgent Genetics
Classification: Likely pathogenic for Amyotrophic lateral sclerosis type 5; Hereditary spastic paraplegia 11; Charcot-Marie-Tooth disease axonal type 2X. Last evaluated: 2024-06-12. Review status: criteria provided, single submitter. Criteria: ACMG Guidelines, 2015. Collection method: clinical testing. Allele origin: germline.

Athena Diagnostics
Classification: Pathogenic. Last evaluated: 2018-05-25. Review status: criteria provided, single submitter. Criteria: Athena Diagnostics Criteria. Collection method: clinical testing. Allele origin: germline.

Genome-Nilou Lab
Classification: Pathogenic for Hereditary spastic paraplegia 11. Review status: criteria provided, single submitter. Criteria: ACMG Guidelines, 2015. Collection method: clinical testing. Allele origin: germline.

Literature cited by the submitters: PubMed 26633542 (cited by 3 submitters); PubMed 19105190 (cited by Labcorp Genetics (formerly Invitae), Labcorp); PubMed 20110243 (cited by Labcorp Genetics (formerly Invitae), Labcorp); PubMed 22154821 (cited by Labcorp Genetics (formerly Invitae), Labcorp); PubMed 26556829 (cited by Labcorp Genetics (formerly Invitae), Labcorp).

NM_025137.4(SPG11):c.202_203dup (p.Leu68fs)

Gene: SPG11 (SPG11 vesicle trafficking associated, spatacsin; minus strand). Cytogenetic location: 15q21.1.
Variant type: Duplication.
Coding change: c.202_203dup on transcript NM_025137.4 (MANE Select); coding-DNA positions 202 to 203, 2 bases duplicated (TT; older notation c.202_203dupTT).
Protein change: p.Leu68fs; shifts the reading frame from leucine 68.
Molecular consequence: frameshift variant.
Genome position (GRCh38, 1-based): chr15:44,663,445-44,663,446, AA duplicated on the plus strand (TT on the coding strand, the reverse complement: SPG11 is on the minus strand); duplicating any 2 consecutive bases within chr15:44,663,445-44,663,447 gives the same sequence; the c. name uses the placement nearest the transcript's 3' end. VCF-style (leftmost placement, unchanged base first): chr15-44663444-C-CAA. GRCh37 (hg19) VCF-style: chr15-44955642-C-CAA.
Other names: p.Leu68Phefs*2; c.202_203dup, p.Leu68fs (NM_001160227.2); short protein forms L68fs.
Identifiers: ClinVar variation 586640 (VCV000586640.13), dbSNP rs773773579, ClinGen allele CA7535928.
Genomic context (GRCh38, chr15:44,663,444, plus strand): 5'-CACTTACTGCCAGAAGGGGCCCTCCAGGCAGCAGCGACCCCCGCCCCGGCTGCCAGGCGT[C>CAA]AAAGAAAGCACTTGGAGGCTGCCCGCAGCCGTCAGGCTCCCCAGAGCCTCCGGCTGTGTG-3'